The following is an entry in ClinVar:

ClinVar aggregate classification (germline): Pathogenic (1 of 4 stars; one submission).

Conditions:
Fetal akinesia deformation sequence 1 (FADS1). Also called: Pena-Shokeir syndrome type I; Fetal akinesia sequence. Identifiers: Orphanet 994, MedGen C1276035, MONDO:0100101, OMIM 208150, HP:0001989.
Congenital myasthenic syndrome 10. Also called: Myasthenia, limb-girdle, familial. Identifiers: Orphanet 590, MedGen C1850792, MONDO:0009690, OMIM 254300.

Allele frequency attached by ClinVar (database versions not stated): gnomAD exomes below 0.00001; ExAC 0.00001; ESP Exome Variant Server 0.00008.

Submission:

Labcorp Genetics (formerly Invitae), Labcorp
Classification: Pathogenic for Congenital myasthenic syndrome 10; Fetal akinesia deformation sequence 1. Last evaluated: 2019-03-25. Review status: criteria provided, single submitter. Criteria: Invitae Variant Classification Sherloc (09022015). Collection method: clinical testing. Allele origin: germline.
Comment: This variant disrupts the C-terminus of the DOK7 protein. Other variant(s) that disrupt this region (p.Ala378Serfs*30) have been determined to be pathogenic (PMID: 16917026, 22661499, 18165682, 18626973, 25237101). This suggests that variants that disrupt this region of the protein are likely to be causative of disease. This variant has not been reported in the literature in individuals with DOK7-related conditions. The frequency data for this variant in the population databases is considered unreliable, as metrics indicate poor data quality at this position in the ExAC database. This sequence change results in a premature translational stop signal in the DOK7 gene (p.His272Leufs*28). While this is not anticipated to result in nonsense mediated decay, it is expected to disrupt the last 233 amino acids of the DOK7 protein. For these reasons, this variant has been classified as Pathogenic.

Literature cited by the submitters: PubMed 16917026; PubMed 22661499; PubMed 18165682; PubMed 18626973; PubMed 25237101.

NM_173660.5(DOK7):c.810_811del (p.His272fs)

Gene: DOK7 (docking protein 7; plus strand). Cytogenetic location: 4p16.3.
Variant type: Deletion.
Coding change: c.810_811del on transcript NM_173660.5 (MANE Select); coding-DNA positions 810 to 811, 2 bases deleted (CA; older notation c.810_811delCA).
Protein change: p.His272fs; shifts the reading frame from histidine 272.
Molecular consequence: frameshift variant. On other transcripts: 3 prime UTR variant (1), 5 prime UTR variant (1).
Genome position (GRCh38, 1-based): chr4:3,492,796-3,492,797, CA deleted. VCF-style (leftmost placement, unchanged base first): chr4-3492795-CCA-C. GRCh37 (hg19) VCF-style: chr4-3494522-CCA-C.
Other names: c.*31_*32del (NM_001164673.2); c.-121_-120del (NM_001256896.2); c.810_811del, p.His272fs (NM_001301071.2); c.378_379del, p.His128fs (NM_001363811.2); short protein forms H128fs, H272fs.
Identifiers: ClinVar variation 841000 (VCV000841000.10), dbSNP rs778227501, ClinGen allele CA2829233.